The following is an entry in ClinVar:

ClinVar aggregate classification (germline): Uncertain significance. Review status: criteria provided, multiple submitters, no conflicts (2 of 4 stars). 2 submissions from 2 submitters: Uncertain significance (2). Last evaluated 2025-06-13.

Conditions:
Immunodeficiency. Identifiers: MedGen C0021051, MONDO:0021094, HP:0002721.

Allele frequency attached by ClinVar (database versions not stated): ExAC 0.00007; gnomAD exomes 0.00007; gnomAD 0.00008 and 0.00010; TOPMed 0.00016; 1000 Genomes Project 30x 0.00031; 1000 Genomes Project 0.00040.

Submissions (2):

Labcorp Genetics (formerly Invitae), Labcorp
Classification: Uncertain significance for Immunodeficiency. Last evaluated: 2025-06-13. Review status: criteria provided, single submitter. Criteria: Invitae Variant Classification Sherloc (09022015). Collection method: clinical testing. Allele origin: germline.
Comment: This sequence change replaces methionine, which is neutral and non-polar, with valine, which is neutral and non-polar, at codon 1242 of the NFAT5 protein (p.Met1242Val). This variant is present in population databases (rs150642075, gnomAD 0.01%). This variant has not been reported in the literature in individuals affected with NFAT5-related conditions. ClinVar contains an entry for this variant (Variation ID: 526774). An algorithm developed to predict the effect of missense changes on protein structure and function (PolyPhen-2) suggests that this variant is likely to be tolerated. In summary, the available evidence is currently insufficient to determine the role of this variant in disease. Therefore, it has been classified as a Variant of Uncertain Significance.

Ambry Genetics
Classification: Uncertain significance. Last evaluated: 2024-09-04. Review status: criteria provided, single submitter. Criteria: Ambry Variant Classification Scheme 2023. Collection method: clinical testing. Allele origin: germline.

NM_138713.4(NFAT5):c.4006A>G (p.Met1336Val)

Gene: NFAT5 (nuclear factor of activated T cells 5; plus strand). Cytogenetic location: 16q22.1.
Variant type: single nucleotide variant.
Coding change: c.4006A>G on transcript NM_138713.4 (MANE Select); coding-DNA position 4006, A replaced by G.
Protein change: p.Met1336Val; replaces methionine 1336 with valine.
Molecular consequence: missense variant.
Genome position (GRCh38, 1-based): chr16:69,693,831, A>G. VCF-style: chr16-69693831-A-G. GRCh37 (hg19) VCF-style: chr16-69727734-A-G.
Other names: c.4006A>G, p.Met1336Val (LRG_1332t1); c.4003A>G, p.Met1335Val (NM_001113178.3); c.3331A>G, p.Met1111Val (NM_001367709.1); c.3952A>G, p.Met1318Val (NM_006599.4); c.3724A>G, p.Met1242Val (NM_138714.4, NM_173214.3, NM_173215.3); c.4006A>G (NM_138713.3); short protein forms M1242V, M1336V, M1335V, M1111V, M1318V.
Identifiers: ClinVar variation 526774 (VCV000526774.7), dbSNP rs150642075, ClinGen allele CA8135992.